The following is an entry in ClinVar:

ClinVar aggregate classification (germline): Uncertain significance. Review status: criteria provided, multiple submitters, no conflicts (2 of 4 stars). 2 submissions from 2 submitters: Uncertain significance (2). Last evaluated 2025-10-24.

Conditions:
Ullrich congenital muscular dystrophy 2 (UCMD2). Identifiers: Orphanet 75840, MedGen C4225314, MONDO:0014654, OMIM 616470.
Bethlem myopathy 2 (BTHLM2). Identifiers: Orphanet 536516, Orphanet 610, MedGen C4225313, MONDO:0034022, OMIM 616471.

Submissions (2):

Women's Health and Genetics/Laboratory Corporation of America, LabCorp
Classification: Uncertain significance. Last evaluated: 2025-10-24. Review status: criteria provided, single submitter. Criteria: LabCorp Variant Classification Summary - May 2015. Collection method: clinical testing. Allele origin: germline.
Comment: Variant summary: COL12A1 c.9068C>T (p.Pro3023Leu) results in a non-conservative amino acid change in the encoded protein sequence. Algorithms developed to predict the effect of missense changes on protein structure and function all suggest that this variant is likely to be disruptive. The frequency data for this variant in gnomAD is considered unreliable, as metrics indicate poor data quality at this position. To our knowledge, no occurrence of c.9068C>T in individuals affected with COL12A1-related conditions and no experimental evidence demonstrating its impact on protein function have been reported. ClinVar contains an entry for this variant (Variation ID: 3752600). Based on the evidence outlined above, the variant was classified as uncertain significance.

Labcorp Genetics (formerly Invitae), Labcorp
Classification: Uncertain significance for Bethlem myopathy 2; Ullrich congenital muscular dystrophy 2. Last evaluated: 2024-03-20. Review status: criteria provided, single submitter. Criteria: Invitae Variant Classification Sherloc (09022015). Collection method: clinical testing. Allele origin: germline.
Comment: This sequence change replaces proline, which is neutral and non-polar, with leucine, which is neutral and non-polar, at codon 3023 of the COL12A1 protein (p.Pro3023Leu). This variant is not present in population databases (gnomAD no frequency). This variant has not been reported in the literature in individuals affected with COL12A1-related conditions. An algorithm developed to predict the effect of missense changes on protein structure and function (PolyPhen-2) suggests that this variant is likely to be disruptive. In summary, the available evidence is currently insufficient to determine the role of this variant in disease. Therefore, it has been classified as a Variant of Uncertain Significance.

NM_004370.6(COL12A1):c.9068C>T (p.Pro3023Leu)

Gene: COL12A1 (collagen type XII alpha 1 chain; minus strand). Cytogenetic location: 6q13.
Variant type: single nucleotide variant.
Coding change: c.9068C>T on transcript NM_004370.6 (MANE Select); coding-DNA position 9068, C replaced by T.
Protein change: p.Pro3023Leu; replaces proline 3023 with leucine.
Molecular consequence: missense variant.
Genome position (GRCh38, 1-based): chr6:75,087,690, G>A on the plus strand (C>T on the coding strand, the complement: COL12A1 is on the minus strand). VCF-style: chr6-75087690-G-A. GRCh37 (hg19) VCF-style: chr6-75797406-G-A.
Other names: c.9068C>T, p.Pro3023Leu (NM_001424113.1); c.9047C>T, p.Pro3016Leu (NM_001424114.1); c.8795C>T, p.Pro2932Leu (NM_001424115.1); c.5576C>T, p.Pro1859Leu (NM_001424116.1, NM_080645.3); short protein forms P1859L, P2932L, P3016L, P3023L.
Identifiers: ClinVar variation 3752600 (VCV003752600.3).